The following is an entry in ClinVar:

NM_000297.4(PKD2):c.817_818del (p.Leu273fs)

Gene: PKD2 (polycystin 2, transient receptor potential cation channel; plus strand). Cytogenetic location: 4q22.1.
Variant type: Microsatellite.
Coding change: c.817_818del on transcript NM_000297.4 (MANE Select); coding-DNA positions 817 to 818, 2 bases deleted (CT; older notation c.817_818delCT).
Protein change: p.Leu273fs; shifts the reading frame from leucine 273.
Molecular consequence: frameshift variant. On other transcripts: non-coding transcript variant (1).
Genome position (GRCh38, 1-based): chr4:88,036,327-88,036,328, CT deleted; deleting any 2 consecutive bases within chr4:88,036,325-88,036,328 gives the same sequence; the c. name uses the placement nearest the transcript's 3' end. VCF-style (leftmost placement, unchanged base first): chr4-88036324-ACT-A. GRCh37 (hg19) VCF-style: chr4-88957476-ACT-A.
Other names: c.817_818delCT (NM_000297.4); short protein forms L273fs.
Identifiers: ClinVar variation 374198 (VCV000374198.6), dbSNP rs1057518969, ClinGen allele CA16043406.

ClinVar aggregate classification (germline): Pathogenic. Review status: criteria provided, multiple submitters, no conflicts (2 of 4 stars). 4 submissions from 4 submitters: Pathogenic (4). Last evaluated 2025-06-23.

Conditions:
PKD2-related disorder. Also called: PKD2-related condition.
Polycystic kidney disease. Also called: Kidney, Polycystic; Polycystic kidney dysplasia. Identifiers: MedGen C0022680, MeSH D007690, MONDO:0020642, HP:0000113.
Elevated systolic blood pressure. Identifiers: MedGen C1840374, HP:0004421.
Elevated diastolic blood pressure. Identifiers: MedGen C1840375, HP:0005117.
Polycystic kidney disease 2 (PKD2). Also called: Polycystic Kidney Disease 2, Autosomal Dominant; POLYCYSTIC KIDNEY DISEASE, ADULT, TYPE II; POLYCYSTIC KIDNEY DISEASE 2 WITH OR WITHOUT POLYCYSTIC LIVER DISEASE. Identifiers: MedGen C2751306, MONDO:0013131, OMIM 613095.

Submissions (4):

Women's Health and Genetics/Laboratory Corporation of America, LabCorp
Classification: Pathogenic for Polycystic kidney disease 2. Last evaluated: 2025-06-23. Review status: criteria provided, single submitter. Criteria: LabCorp Variant Classification Summary - May 2015. Collection method: clinical testing. Allele origin: germline.
Comment: Variant summary: PKD2 c.817_818delCT (p.Leu273ValfsX29) results in a premature termination codon, predicted to cause a truncation of the encoded protein or absence of the protein due to nonsense mediated decay, which are commonly known mechanisms for disease. The variant was absent in 251262 control chromosomes. c.817_818delCT has been observed in individual(s) affected with Polycystic Kidney Disease 2 (Rossetti_2003, Vaisitti_2020). These data indicate that the variant may be associated with disease. The following publications have been ascertained in the context of this evaluation (PMID: 12842373, 33226606). ClinVar contains an entry for this variant (Variation ID: 374198). Based on the evidence outlined above, the variant was classified as pathogenic.

Fulgent Genetics
Classification: Pathogenic for Polycystic kidney disease 2. Last evaluated: 2024-06-19. Review status: criteria provided, single submitter. Criteria: ACMG Guidelines, 2015. Collection method: clinical testing. Allele origin: germline.

Blueprint Genetics
Classification: Pathogenic for PKD2-related disorders. Last evaluated: 2020-07-23. Review status: criteria provided, single submitter. Criteria: ACMG Guidelines, 2015. Collection method: clinical testing. Allele origin: germline. Affected: yes. Observed: 1 variant allele.

Centre for Mendelian Genomics, University Medical Centre Ljubljana
Classification: Pathogenic for Elevated diastolic blood pressure; Elevated systolic blood pressure; Polycystic kidney disease. Last evaluated: 2014-04-04. Review status: criteria provided, single submitter. Criteria: ACMG Guidelines, 2015. Collection method: clinical testing. Allele origin: unknown. Affected: yes.

Literature cited by the submitters: PubMed 12842373 (cited by Women's Health and Genetics/Laboratory Corporation of America, LabCorp); PubMed 33226606 (cited by Women's Health and Genetics/Laboratory Corporation of America, LabCorp).